The following is an entry in ClinVar:

NM_001042413.2(GLIS3):c.1951C>T (p.His651Tyr)

Gene: GLIS3 (GLIS family zinc finger 3; minus strand). Cytogenetic location: 9p24.2.
Variant type: single nucleotide variant.
Coding change: c.1951C>T on transcript NM_001042413.2 (MANE Select); coding-DNA position 1951, C replaced by T.
Protein change: p.His651Tyr; replaces histidine 651 with tyrosine.
Molecular consequence: missense variant.
Genome position (GRCh38, 1-based): chr9:3,932,392, G>A on the plus strand (C>T on the coding strand, the complement: GLIS3 is on the minus strand). VCF-style: chr9-3932392-G-A. GRCh37 (hg19) VCF-style: chr9-3932392-G-A.
Other names: c.1951C>T, p.His651Tyr (NM_001438906.1, NM_001438907.1, NM_001438908.1); c.1486C>T, p.His496Tyr (NM_001438909.1, NM_152629.4); c.1285C>T, p.His429Tyr (NM_001438911.1, NM_001438912.1); short protein forms H496Y, H429Y, H651Y.
Identifiers: ClinVar variation 4982975 (VCV004982975.1).
Genomic context (GRCh38, chr9:3,932,392, plus strand): 5'-CGACTGGAAGATTCTCTTTTAAAATTACCTTTTTCCTTGCTTGTTGCTCTTTGGAAGAAT[G>A]TGCCTTCACATGCTTTCTTAGGGAACTTGGGTCTGTGTAGCGTTTGGTACATCCTGGAAT-3'
Protein context (NP_001035878.1, residues 641-661): PSSLRKHVKA[His651Tyr]SSKEQQARKK

ClinVar aggregate classification (germline): Uncertain significance (1 of 4 stars; one submission).

Conditions:
GLIS3-related disorder. Also called: GLIS3-related condition.

gnomAD v4.1: 4 of 1,613,542 alleles (0.00025%); highest among the groups gnomAD compares: Non-Finnish European, 0.00025%; no homozygotes.

Submission:

PreventionGenetics, part of Exact Sciences
Classification: Uncertain significance for GLIS3-related condition. Last evaluated: 2026-02-16. Review status: criteria provided, single submitter. Criteria: ACMG Guidelines, 2015. Collection method: clinical testing. Allele origin: germline.
Comment: The GLIS3 c.1951C>T variant is predicted to result in the amino acid substitution p.His651Tyr. To our knowledge, this variant has not been reported in the literature. This variant is reported in 0.0065% of alleles in individuals of European (Non-Finnish) descent in gnomAD. At this time, the clinical significance of this variant is uncertain due to the absence of conclusive functional and genetic evidence.